The following is an entry in ClinVar:

ClinVar aggregate classification (germline): Likely pathogenic (1 of 4 stars; one submission).

Conditions:
Epilepsy, familial focal, with variable foci 1 (FFEVF1). Also called: DEPDC5-Related Epilepsy. Identifiers: MedGen C4551983, MONDO:0024556, OMIM 604364.

Submission:

3billion
Classification: Likely pathogenic for Epilepsy, familial focal, with variable foci 1. Last evaluated: 2025-11-22. Review status: criteria provided, single submitter. Criteria: ACMG Guidelines, 2015. Collection method: clinical testing. Allele origin: germline. Affected: yes.
Comment: The variant is not observed in the gnomAD v4.1.0 dataset. Predicted Consequence/Location: Canonical splice site: predicted to alter splicing and result in a loss or disruption of normal protein function. Multiple pathogenic loss-of-function variants are reported downstream of the variant. In silico tools predict the variant to alter splicing and produce an abnormal transcript [SpliceAI: 0.97 (spliceogenicity >=0.2, non-spliceogenicity <0.1)]. Therefore, this variant is classified as Likely pathogenic according to the recommendation of ACMG/AMP guideline.

NM_001242896.3(DEPDC5):c.4204-1G>C

Gene: DEPDC5 (DEP domain containing 5, GATOR1 subcomplex subunit; plus strand). Cytogenetic location: 22q12.3.
Variant type: single nucleotide variant.
Coding change: c.4204-1G>C on transcript NM_001242896.3 (MANE Select); the canonical splice acceptor site of the intron before coding-DNA position 4204, G replaced by C.
Molecular consequence: splice acceptor variant.
Genome position (GRCh38, 1-based): chr22:31,897,481, G>C. VCF-style: chr22-31897481-G-C. GRCh37 (hg19) VCF-style: chr22-32293467-G-C.
Other names: c.4204-1G>C (NM_001364318.2); c.4177-1G>C (NM_001136029.4); c.4111-1G>C (NM_014662.6, NM_001369903.1); c.4138-1G>C (NM_001363852.2, NM_001364320.2); c.3970-1G>C (NM_001363854.2, NM_001364319.2); c.3904-1G>C (NM_001242897.2); c.4120-1G>C (NM_001369902.1, NM_001369901.1).
Identifiers: ClinVar variation 4853878 (VCV004853878.1).